The following is an entry in ClinVar:

ClinVar aggregate classification (germline): Conflicting classifications of pathogenicity. Review status: criteria provided, conflicting classifications (1 of 4 stars). 3 submissions from 3 submitters: Uncertain significance (2); Likely benign (1). Last evaluated 2024-06-19.

Conditions:
Inborn genetic diseases. Identifiers: MedGen C0950123, MeSH D030342.
Combined oxidative phosphorylation defect type 27. Also called: Combined oxidative phosphorylation deficiency 27. Identifiers: Orphanet 477774, MedGen C5567608, MONDO:0014728, OMIM 616672.

Allele frequency attached by ClinVar (database versions not stated): ExAC 0.00002; gnomAD exomes 0.00002.
gnomAD v4.1: 14 of 1,610,290 alleles (0.00087%); highest among the groups gnomAD compares: African/African-American, 0.0027%; no homozygotes.

Submissions (3):

Blueprint Genetics
Classification: Likely benign. Last evaluated: 2024-06-19. Review status: criteria provided, single submitter. Criteria: ACMG Guidelines, 2015. Collection method: clinical testing. Allele origin: germline.

Ambry Genetics
Classification: Uncertain significance for Inborn genetic diseases. Last evaluated: 2022-12-15. Review status: criteria provided, single submitter. Criteria: Ambry Variant Classification Scheme 2023. Collection method: clinical testing. Allele origin: germline.

Labcorp Genetics (formerly Invitae), Labcorp
Classification: Uncertain significance for Combined oxidative phosphorylation defect type 27. Last evaluated: 2022-08-15. Review status: criteria provided, single submitter. Criteria: Invitae Variant Classification Sherloc (09022015). Collection method: clinical testing. Allele origin: germline.
Comment: This sequence change replaces arginine, which is basic and polar, with histidine, which is basic and polar, at codon 182 of the CARS2 protein (p.Arg182His). This variant is present in population databases (rs769307767, gnomAD 0.003%). This variant has not been reported in the literature in individuals affected with CARS2-related conditions. ClinVar contains an entry for this variant (Variation ID: 936704). Algorithms developed to predict the effect of missense changes on protein structure and function output the following: SIFT: "Tolerated"; PolyPhen-2: "Benign"; Align-GVGD: "Class C0". The histidine amino acid residue is found in multiple mammalian species, which suggests that this missense change does not adversely affect protein function. In summary, the available evidence is currently insufficient to determine the role of this variant in disease. Therefore, it has been classified as a Variant of Uncertain Significance.

NM_024537.4(CARS2):c.545G>A (p.Arg182His)

Gene: CARS2 (cysteinyl-tRNA synthetase 2, mitochondrial; minus strand). Cytogenetic location: 13q34.
Variant type: single nucleotide variant.
Coding change: c.545G>A on transcript NM_024537.4 (MANE Select); coding-DNA position 545, G replaced by A.
Protein change: p.Arg182His; replaces arginine 182 with histidine.
Molecular consequence: missense variant. On other transcripts: 5 prime UTR variant (1), non-coding transcript variant (2).
Genome position (GRCh38, 1-based): chr13:110,687,747, C>T on the plus strand (G>A on the coding strand, the complement: CARS2 is on the minus strand). VCF-style: chr13-110687747-C-T. GRCh37 (hg19) VCF-style: chr13-111340094-C-T.
Other names: c.545G>A (NM_024537.2); c.-455G>A (NM_001352252.2); c.545G>A, p.Arg182His (NM_001352253.3); short protein forms R182H.
Identifiers: ClinVar variation 936704 (VCV000936704.8), dbSNP rs769307767, ClinGen allele CA7052209.